The following is an entry in ClinVar:

ClinVar aggregate classification (germline): Uncertain significance (1 of 4 stars; one submission).

Conditions:
Rhabdoid tumor predisposition syndrome 2 (RTPS2). Identifiers: Orphanet 231108, Orphanet 69077, MedGen C2750074, MONDO:0013224, OMIM 613325.

Submission:

Labcorp Genetics (formerly Invitae), Labcorp
Classification: Uncertain significance for Rhabdoid tumor predisposition syndrome 2. Last evaluated: 2019-03-14. Review status: criteria provided, single submitter. Criteria: Invitae Variant Classification Sherloc (09022015). Collection method: clinical testing. Allele origin: germline.
Comment: Algorithms developed to predict the effect of missense changes on protein structure and function are either unavailable or do not agree on the potential impact of this missense change (SIFT: "Deleterious"; PolyPhen-2: "Possibly Damaging"; Align-GVGD: "Class C0"). This sequence change replaces glutamic acid with lysine at codon 431 of the SMARCA4 protein (p.Glu431Lys). The glutamic acid residue is highly conserved and there is a small physicochemical difference between glutamic acid and lysine. This variant is not present in population databases (ExAC no frequency). This variant has not been reported in the literature in individuals with SMARCA4-related conditions. In summary, the available evidence is currently insufficient to determine the role of this variant in disease. Therefore, it has been classified as a Variant of Uncertain Significance.

NM_003072.5(SMARCA4):c.1291G>A (p.Glu431Lys)

Gene: SMARCA4 (SWI/SNF related BAF chromatin remodeling complex subunit ATPase 4; plus strand). Cytogenetic location: 19p13.2.
Variant type: single nucleotide variant.
Coding change: c.1291G>A on transcript NM_003072.5 (MANE Select); coding-DNA position 1291, G replaced by A.
Protein change: p.Glu431Lys; replaces glutamic acid 431 with lysine.
Molecular consequence: missense variant. On other transcripts: non-coding transcript variant (1).
Genome position (GRCh38, 1-based): chr19:10,991,195, G>A. VCF-style: chr19-10991195-G-A. GRCh37 (hg19) VCF-style: chr19-11101871-G-A.
Other names: c.1291G>A, p.Glu431Lys (NM_001128844.3, NM_001128845.2, NM_001128846.2 and 4 more transcripts); short protein forms E431K.
Identifiers: ClinVar variation 835722 (VCV000835722.9), dbSNP rs1792421235, ClinGen allele CA404060620.